The following is an entry in ClinVar:

NM_001042646.3(TRAK1):c.835C>T (p.Arg279Cys)

Gene: TRAK1 (trafficking kinesin protein 1; plus strand). Cytogenetic location: 3p22.1.
Variant type: single nucleotide variant.
Coding change: c.835C>T on transcript NM_001042646.3 (MANE Select); coding-DNA position 835, C replaced by T.
Protein change: p.Arg279Cys; replaces arginine 279 with cysteine.
Molecular consequence: missense variant. On other transcripts: non-coding transcript variant (1).
Genome position (GRCh38, 1-based): chr3:42,193,140, C>T. VCF-style: chr3-42193140-C-T. GRCh37 (hg19) VCF-style: chr3-42234632-C-T.
Other names: c.835C>T, p.Arg279Cys (NM_001265608.2, NM_001349246.2, NM_001349247.2); c.661C>T, p.Arg221Cys (NM_014965.5, NM_001410741.1); c.613C>T, p.Arg205Cys (NM_001265609.2, NM_001265610.1, NM_001349248.1 and 1 more transcripts); c.523C>T, p.Arg175Cys (NM_001349245.1); c.835C>T (NM_001042646.1, NM_001042646.2); short protein forms R175C, R205C, R221C, R279C.
Identifiers: ClinVar variation 2414258 (VCV002414258.8), dbSNP rs778344493, ClinGen allele CA2333256.

ClinVar aggregate classification (germline): Uncertain significance. Review status: criteria provided, multiple submitters, no conflicts (2 of 4 stars). 3 submissions from 3 submitters: Uncertain significance (3). Last evaluated 2023-12-18.

Conditions:
Inborn genetic diseases. Identifiers: MedGen C0950123, MeSH D030342.

Allele frequency attached by ClinVar (database versions not stated): gnomAD 0.00003; TOPMed 0.00003.
gnomAD v4.1: 40 of 1,613,986 alleles (0.0025%); highest among the groups gnomAD compares: East Asian, 0.031%; no homozygotes.

Submissions (3):

Labcorp Genetics (formerly Invitae), Labcorp
Classification: Uncertain significance. Last evaluated: 2023-12-18. Review status: criteria provided, single submitter. Criteria: Invitae Variant Classification Sherloc (09022015). Collection method: clinical testing. Allele origin: germline.
Comment: This sequence change replaces arginine, which is basic and polar, with cysteine, which is neutral and slightly polar, at codon 279 of the TRAK1 protein (p.Arg279Cys). This variant is present in population databases (rs778344493, gnomAD 0.02%). This variant has not been reported in the literature in individuals affected with TRAK1-related conditions. ClinVar contains an entry for this variant (Variation ID: 2414258). An algorithm developed to predict the effect of missense changes on protein structure and function (PolyPhen-2) suggests that this variant is likely to be disruptive. In summary, the available evidence is currently insufficient to determine the role of this variant in disease. Therefore, it has been classified as a Variant of Uncertain Significance.

GeneDx
Classification: Uncertain significance. Last evaluated: 2023-12-02. Review status: criteria provided, single submitter. Criteria: GeneDx Variant Classification Process June 2021. Collection method: clinical testing. Allele origin: germline. Affected: yes.
Comment: In silico analysis supports that this missense variant has a deleterious effect on protein structure/function; Has not been previously published as pathogenic or benign to our knowledge

Ambry Genetics
Classification: Uncertain significance for Inborn genetic diseases. Last evaluated: 2021-08-11. Review status: criteria provided, single submitter. Criteria: Ambry Variant Classification Scheme 2023. Collection method: clinical testing. Allele origin: germline.